The following is an entry in ClinVar:

ClinVar aggregate classification (germline): Uncertain significance (1 of 4 stars; one submission).

Conditions:
Chédiak-Higashi syndrome (CHS). Also called: Chediak-Higashi Syndrome. Identifiers: Orphanet 167, MedGen C0007965, MONDO:0008963, OMIM 214500.

Allele frequency attached by ClinVar (database versions not stated): TOPMed below 0.00001.

Submission:

Labcorp Genetics (formerly Invitae), Labcorp
Classification: Uncertain significance for Chédiak-Higashi syndrome. Last evaluated: 2022-06-09. Review status: criteria provided, single submitter. Criteria: Invitae Variant Classification Sherloc (09022015). Collection method: clinical testing. Allele origin: germline.
Comment: In summary, the available evidence is currently insufficient to determine the role of this variant in disease. Therefore, it has been classified as a Variant of Uncertain Significance. Algorithms developed to predict the effect of missense changes on protein structure and function output the following: SIFT: "Tolerated"; PolyPhen-2: "Benign"; Align-GVGD: "Class C0". The valine amino acid residue is found in multiple mammalian species, which suggests that this missense change does not adversely affect protein function. This variant has not been reported in the literature in individuals affected with LYST-related conditions. This variant is present in population databases (no rsID available, gnomAD 0.007%). This sequence change replaces phenylalanine, which is neutral and non-polar, with valine, which is neutral and non-polar, at codon 987 of the LYST protein (p.Phe987Val).

NM_000081.4(LYST):c.2959T>G (p.Phe987Val)

Gene: LYST (lysosomal trafficking regulator; minus strand). Cytogenetic location: 1q42.3.
Variant type: single nucleotide variant.
Coding change: c.2959T>G on transcript NM_000081.4 (MANE Select); coding-DNA position 2959, T replaced by G.
Protein change: p.Phe987Val; replaces phenylalanine 987 with valine.
Molecular consequence: missense variant.
Genome position (GRCh38, 1-based): chr1:235,806,177, A>C on the plus strand (T>G on the coding strand, the complement: LYST is on the minus strand). VCF-style: chr1-235806177-A-C. GRCh37 (hg19) VCF-style: chr1-235969477-A-C.
Other names: c.2959T>G, p.Phe987Val (NM_001301365.1); short protein forms F987V.
Identifiers: ClinVar variation 2003937 (VCV002003937.4), dbSNP rs1457325210, ClinGen allele CA344954487.